The following is an entry in ClinVar:

ClinVar aggregate classification (germline): Likely benign. Review status: criteria provided, multiple submitters, no conflicts (2 of 4 stars). 2 submissions from 2 submitters: Likely benign (2). Last evaluated 2024-11-20.

Conditions:
Spastic paraplegia. Identifiers: MedGen C0037772, HP:0001258.

Allele frequency attached by ClinVar (database versions not stated): gnomAD exomes 0.00001 and 0.00002; ExAC 0.00002; gnomAD 0.00002; TOPMed 0.00003; ESP Exome Variant Server 0.00015.
gnomAD v4.1: 37 of 1,612,424 alleles (0.0023%); highest among the groups gnomAD compares: Non-Finnish European, 0.0029%; no homozygotes.

Submissions (2):

Labcorp Genetics (formerly Invitae), Labcorp
Classification: Likely benign for Spastic paraplegia. Last evaluated: 2024-11-20. Review status: criteria provided, single submitter. Criteria: Invitae Variant Classification Sherloc (09022015). Collection method: clinical testing. Allele origin: germline.

CeGaT Center for Human Genetics Tuebingen
Classification: Likely benign. Last evaluated: 2022-03-01. Review status: criteria provided, single submitter. Criteria: CeGaT Center For Human Genetics Tuebingen Variant Classification Criteria Version 2. Collection method: clinical testing. Allele origin: germline. Affected: yes. Observed: 1 variant allele.
Comment: SACS: BP4, BP7

NM_014363.6(SACS):c.9525A>G (p.Thr3175=)

Gene: SACS (sacsin molecular chaperone; minus strand). Cytogenetic location: 13q12.12.
Variant type: single nucleotide variant.
Coding change: c.9525A>G on transcript NM_014363.6 (MANE Select); coding-DNA position 9525, A replaced by G.
Protein change: p.Thr3175=; no amino-acid change (threonine 3175 retained).
Molecular consequence: synonymous variant.
Genome position (GRCh38, 1-based): chr13:23,334,351, T>C on the plus strand (A>G on the coding strand, the complement: SACS is on the minus strand). VCF-style: chr13-23334351-T-C. GRCh37 (hg19) VCF-style: chr13-23908490-T-C.
Other names: c.9084A>G, p.Thr3028= (NM_001278055.2).
Identifiers: ClinVar variation 1122598 (VCV001122598.34), dbSNP rs369043814, ClinGen allele CA6910611.